The following is an entry in ClinVar:

ClinVar aggregate classification (germline): Uncertain significance (1 of 4 stars; one submission).

gnomAD v4.1: 14 of 1,608,836 alleles (0.00087%); highest among the groups gnomAD compares: African/African-American, 0.017%; no homozygotes.

Submission:

Ambry Genetics
Classification: Uncertain significance. Last evaluated: 2024-12-16. Review status: criteria provided, single submitter. Criteria: Ambry Variant Classification Scheme 2023. Collection method: clinical testing. Allele origin: germline.
Comment: The p.L788R variant (also known as c.2363T>G), located in coding exon 10 of the WNK2 gene, results from a T to G substitution at nucleotide position 2363. The leucine at codon 788 is replaced by arginine, an amino acid with dissimilar properties. This amino acid position is conserved. In addition, the in silico prediction for this alteration is inconclusive. Based on the available evidence, the clinical significance of this variant remains unclear.

NM_006648.4(WNK2):c.2363T>G (p.Leu788Arg)

Gene: WNK2 (WNK lysine deficient protein kinase 2; plus strand). Cytogenetic location: 9q22.31.
Variant type: single nucleotide variant.
Coding change: c.2363T>G on transcript NM_006648.4 (MANE Select); coding-DNA position 2363, T replaced by G.
Protein change: p.Leu788Arg; replaces leucine 788 with arginine.
Molecular consequence: missense variant.
Genome position (GRCh38, 1-based): chr9:93,257,120, T>G. VCF-style: chr9-93257120-T-G. GRCh37 (hg19) VCF-style: chr9-96019402-T-G.
Other names: c.2363T>G, p.Leu788Arg (NM_001282394.3); short protein forms L788R.
Identifiers: ClinVar variation 3816510 (VCV003816510.1).
Genomic context (GRCh38, chr9:93,257,120, plus strand): 5'-AGGTGGGGGCCCCCGCTCAGCTGAAGCCCCTCCAGATGCCACAGGCGCCCCTGCAGCCGC[T>G]TGCTCAAGTCCCTCCGCAGGTAATTCTAGGTTGATGGCTGCCGTCAGTGGTGGCGCACGC-3'
Protein context (NP_006639.3, residues 778-798): LQMPQAPLQP[Leu788Arg]AQVPPQMPPI